The following is an entry in ClinVar:

NM_001320.7(CSNK2B):c.304C>T (p.Gln102Ter)

Gene: CSNK2B (casein kinase 2 beta; plus strand). Cytogenetic location: 6p21.33.
Variant type: single nucleotide variant.
Coding change: c.304C>T on transcript NM_001320.7 (MANE Select); coding-DNA position 304, C replaced by T.
Protein change: p.Gln102Ter; replaces glutamine 102 with a stop codon.
Molecular consequence: nonsense.
Genome position (GRCh38, 1-based): chr6:31,669,109, C>T. VCF-style: chr6-31669109-C-T. GRCh37 (hg19) VCF-style: chr6-31636886-C-T.
Other names: c.304C>T, p.Gln102Ter (NM_001282385.2); short protein forms Q102*.
Identifiers: ClinVar variation 1684046 (VCV001684046.6), dbSNP rs1802001080, ClinGen allele CA363474495.

ClinVar aggregate classification (germline): Pathogenic. Review status: criteria provided, multiple submitters, no conflicts (2 of 4 stars). 4 submissions from 4 submitters: Pathogenic (4). Last evaluated 2024-08-16.

Conditions:
CSNK2B-related disorder. Also called: CSNK2B-related condition.
Poirier-Bienvenu neurodevelopmental syndrome (POBINDS). Identifiers: Orphanet 689397, MedGen C5231482, MONDO:0032889, OMIM 618732.

Submissions (4):

3billion
Classification: Pathogenic for Poirier-Bienvenu neurodevelopmental syndrome. Last evaluated: 2024-08-16. Review status: criteria provided, single submitter. Criteria: ACMG Guidelines, 2015. Collection method: clinical testing. Allele origin: germline. Affected: yes.
Comment: The variant is not observed in the gnomAD v4.0.0 dataset. Predicted Consequence/Location: Stop-gained (nonsense): predicted to result in a loss or disruption of normal protein function through nonsense-mediated decay (NMD) or protein truncation. Multiple pathogenic variants are reported downstream of the variant. The variant has been reported at least twice as pathogenic without evidence for the classification (ClinVar ID: VCV001684046 /PMID: 36669495). Therefore, this variant is classified as Pathogenic according to the recommendation of ACMG/AMP guideline.

Blueprint Genetics
Classification: Pathogenic for CSNK2B-related disorders. Last evaluated: 2024-01-02. Review status: criteria provided, single submitter. Criteria: ACMG Guidelines, 2015. Collection method: clinical testing. Allele origin: germline. Affected: yes. Observed: 1 variant allele.

GeneDx
Classification: Pathogenic. Last evaluated: 2023-11-09. Review status: criteria provided, single submitter. Criteria: GeneDx Variant Classification Process June 2021. Collection method: clinical testing. Allele origin: germline. Affected: yes.
Comment: Nonsense variant predicted to result in protein truncation or nonsense mediated decay in a gene for which loss-of-function is a known mechanism of disease; Not observed in large population cohorts (gnomAD); Has not been previously published as pathogenic or benign to our knowledge

Institute of Human Genetics Munich, TUM University Hospital
Classification: Pathogenic for Poirier-Bienvenu neurodevelopmental syndrome. Last evaluated: 2020-12-09. Review status: criteria provided, single submitter. Criteria: Classification criteria August 2017. Collection method: clinical testing. Allele origin: de novo. Inheritance: Autosomal dominant inheritance. Affected: yes. Observed: 1 variant allele.

Literature cited by the submitters: PubMed 36669495 (cited by 3billion).